The following is an entry in ClinVar:

ClinVar aggregate classification (germline): Uncertain significance (1 of 4 stars; one submission).

Submission:

CeGaT Center for Human Genetics Tuebingen
Classification: Uncertain significance. Last evaluated: 2023-08-01. Review status: criteria provided, single submitter. Criteria: CeGaT Center For Human Genetics Tuebingen Variant Classification Criteria Version 2. Collection method: clinical testing. Allele origin: germline. Affected: yes. Observed: 2 variant alleles.
Comment: TUSC3: PM2, PP3

NM_006765.4(TUSC3):c.536C>T (p.Ala179Val)

Gene: TUSC3 (tumor suppressor candidate 3; plus strand). Cytogenetic location: 8p22.
Variant type: single nucleotide variant.
Coding change: c.536C>T on transcript NM_006765.4 (MANE Select); coding-DNA position 536, C replaced by T.
Protein change: p.Ala179Val; replaces alanine 179 with valine.
Molecular consequence: missense variant. On other transcripts: non-coding transcript variant (5).
Genome position (GRCh38, 1-based): chr8:15,659,616, C>T. VCF-style: chr8-15659616-C-T. GRCh37 (hg19) VCF-style: chr8-15517125-C-T.
Other names: c.536C>T, p.Ala179Val (NM_001356429.2, NM_001413583.1, NM_001413673.1 and 16 more transcripts); c.368C>T, p.Ala123Val (NM_001413669.1, NM_001413671.1, NM_001413672.1); c.476C>T, p.Ala159Val (NM_001413670.1); c.104C>T, p.Ala35Val (NM_001413677.1); c.149C>T, p.Ala50Val (NM_001413678.1); c.530C>T, p.Ala177Val (NM_001413690.1); short protein forms A123V, A159V, A177V, A179V, A35V, A50V.
Identifiers: ClinVar variation 2499070 (VCV002499070.28), dbSNP rs2486702766, ClinGen allele CA370385897.